The following is an entry in ClinVar:

ClinVar aggregate classification (germline): Conflicting classifications of pathogenicity. Review status: criteria provided, conflicting classifications (1 of 4 stars). 4 submissions from 4 submitters: Likely pathogenic (2); Uncertain significance (2). Last evaluated 2025-01-29.

Conditions:
SKIN/HAIR/EYE PIGMENTATION 5, BLACK/NONBLACK HAIR (SHEP5). Also called: SKIN/HAIR/EYE PIGMENTATION, VARIATION IN, 5; SKIN/HAIR/EYE PIGMENTATION 5, DARK/FAIR SKIN; SKIN/HAIR/EYE PIGMENTATION 5, DARK/LIGHT EYES. Identifiers: MedGen C2673584, OMIM 227240.
Oculocutaneous albinism type 4 (OCA4). Also called: Albinism, oculocutaneous, type IV. Identifiers: Orphanet 79435, MedGen C1847836, MONDO:0011683, OMIM 606574.

Allele frequency attached by ClinVar (database versions not stated): gnomAD 0.00001.
gnomAD v4.1: 20 of 1,613,998 alleles (0.0012%); highest among the groups gnomAD compares: Non-Finnish European, 0.0014%; no homozygotes.

Submissions (4):

Women's Health and Genetics/Laboratory Corporation of America, LabCorp
Classification: Likely pathogenic for Oculocutaneous albinism type 4. Last evaluated: 2025-01-29. Review status: criteria provided, single submitter. Criteria: LabCorp Variant Classification Summary - May 2015. Collection method: clinical testing. Allele origin: germline.
Comment: Variant summary: SLC45A2 c.1247G>A (p.Gly416Glu) results in a non-conservative amino acid change located in the MFS general substrate transporter like domains (IPR036259) of the encoded protein sequence. Five of five in-silico tools predict a damaging effect of the variant on protein function. The variant allele was found at a frequency of 2e-05 in 251476 control chromosomes. c.1247G>A has been reported in the literature in individuals affected with Oculocutaneous albinism type 4 (e.g., Kessel_2021, Gronskov_2009, Labcorp - formerly Invitae). These data indicate that the variant is likely to be associated with disease. Co-occurrences with other pathogenic variant(s) have been reported (TYR c.1118C>A, p.Thr373Lys; TYR c.1177del, p.Val393Leufs*92) (e.g., Loftus_2023). To our knowledge, no experimental evidence demonstrating an impact on protein function has been reported. The following publications have been ascertained in the context of this evaluation (PMID: 33612058, 37327787, 19060277). ClinVar contains an entry for this variant (Variation ID: 1506708). Based on the evidence outlined above, the variant was classified as likely pathogenic.

Laboratory of Genetic Epidemiology, Research Centre for Medical Genetics
Classification: Uncertain significance for SKIN/HAIR/EYE PIGMENTATION 5, BLACK/NONBLACK HAIR; Oculocutaneous albinism type 4. Last evaluated: 2025-01-01. Review status: criteria provided, single submitter. Criteria: ACMG Guidelines, 2015. Collection method: clinical testing. Allele origin: unknown. Inheritance: Autosomal recessive inheritance. Affected: yes. Observed: 1 heterozygote.
Comment: This variant has been previously reported in the literature (PMID: 33612058) and is listed in gnomAD v2.1.1 with allele frequency 0.00001 in Europe (2/113762). The affected amino acid position is evolutionarily conserved, and multiple in silico prediction tools support a deleterious effect. Taken together, the variant meets the following ACMG/AMP criteria and can be classified as uncertain significance with PM2, PP5, PP4 criteria.

Labcorp Genetics (formerly Invitae), Labcorp
Classification: Likely pathogenic. Last evaluated: 2023-10-06. Review status: criteria provided, single submitter. Criteria: Invitae Variant Classification Sherloc (09022015). Collection method: clinical testing. Allele origin: germline.
Comment: This sequence change replaces glycine, which is neutral and non-polar, with glutamic acid, which is acidic and polar, at codon 416 of the SLC45A2 protein (p.Gly416Glu). This variant is present in population databases (rs773980173, gnomAD 0.004%). This missense change has been observed in individuals with oculocutaneous albinism (PMID: 19060277, 33612058; Invitae). This variant is also known as c.1147G>A. ClinVar contains an entry for this variant (Variation ID: 1506708). Advanced modeling of protein sequence and biophysical properties (such as structural, functional, and spatial information, amino acid conservation, physicochemical variation, residue mobility, and thermodynamic stability) performed at Invitae indicates that this missense variant is expected to disrupt SLC45A2 protein function. In summary, the currently available evidence indicates that the variant is pathogenic, but additional data are needed to prove that conclusively. Therefore, this variant has been classified as Likely Pathogenic.

Blueprint Genetics
Classification: Uncertain significance. Last evaluated: 2021-11-26. Review status: criteria provided, single submitter. Criteria: ACMG Guidelines, 2015. Collection method: clinical testing. Allele origin: germline.

Literature cited by the submitters: PubMed 19060277 (cited by Women's Health and Genetics/Laboratory Corporation of America, LabCorp and Labcorp Genetics (formerly Invitae), Labcorp); PubMed 33612058 (cited by 3 submitters); PubMed 37327787 (cited by Women's Health and Genetics/Laboratory Corporation of America, LabCorp); PubMed 41428507 (cited by Laboratory of Genetic Epidemiology, Research Centre for Medical Genetics).

NM_016180.5(SLC45A2):c.1247G>A (p.Gly416Glu)

Gene: SLC45A2 (solute carrier family 45 member 2; minus strand). Cytogenetic location: 5p13.2.
Variant type: single nucleotide variant.
Coding change: c.1247G>A on transcript NM_016180.5 (MANE Select); coding-DNA position 1247, G replaced by A.
Protein change: p.Gly416Glu; replaces glycine 416 with glutamic acid.
Molecular consequence: missense variant.
Genome position (GRCh38, 1-based): chr5:33,947,284, C>T on the plus strand (G>A on the coding strand, the complement: SLC45A2 is on the minus strand). VCF-style: chr5-33947284-C-T. GRCh37 (hg19) VCF-style: chr5-33947389-C-T.
Other names: c.1247G>A (NM_016180.4); c.1247G>A, p.Gly416Glu (NM_001012509.4); short protein forms G416E.
Identifiers: ClinVar variation 1506708 (VCV001506708.10), dbSNP rs773980173, ClinGen allele CA3225522.